The following is an entry in ClinVar:

NM_014319.5(LEMD3):c.1574C>T (p.Thr525Ile)

Gene: LEMD3 (LEM domain containing 3; plus strand). Cytogenetic location: 12q14.3.
Variant type: single nucleotide variant.
Coding change: c.1574C>T on transcript NM_014319.5 (MANE Select); coding-DNA position 1574, C replaced by T.
Protein change: p.Thr525Ile; replaces threonine 525 with isoleucine.
Molecular consequence: missense variant.
Genome position (GRCh38, 1-based): chr12:65,215,990, C>T. VCF-style: chr12-65215990-C-T. GRCh37 (hg19) VCF-style: chr12-65609770-C-T.
Other names: c.1571C>T, p.Thr524Ile (NM_001167614.2); short protein forms T524I, T525I.
Identifiers: ClinVar variation 1058708 (VCV001058708.9), dbSNP rs1276921086, ClinGen allele CA385677269.
Genomic context (GRCh38, chr12:65,215,990, plus strand): 5'-TTTTTTCTTGTAATTGGGTATTTCATAATAACTTCTCTTAATTTTAGGAAAGTGAAAAAA[C>T]TCTTATGATGAACACATTATATAAGCTTCATGATCGATTGGCACAGCTTGCAGGTAATTG-3'
Protein context (NP_055134.2, residues 515-535): TFGKIQESEK[Thr525Ile]LMMNTLYKLH

ClinVar aggregate classification (germline): Uncertain significance (1 of 4 stars; one submission).

Allele frequency attached by ClinVar (database versions not stated): gnomAD exomes below 0.00001; gnomAD 0.00001; TOPMed 0.00001.

Submission:

Labcorp Genetics (formerly Invitae), Labcorp
Classification: Uncertain significance. Last evaluated: 2024-12-03. Review status: criteria provided, single submitter. Criteria: Invitae Variant Classification Sherloc (09022015). Collection method: clinical testing. Allele origin: germline.
Comment: This sequence change replaces threonine, which is neutral and polar, with isoleucine, which is neutral and non-polar, at codon 525 of the LEMD3 protein (p.Thr525Ile). This variant is present in population databases (no rsID available, gnomAD 0.003%). This variant has not been reported in the literature in individuals affected with LEMD3-related conditions. ClinVar contains an entry for this variant (Variation ID: 1058708). Invitae Evidence Modeling of protein sequence and biophysical properties (such as structural, functional, and spatial information, amino acid conservation, physicochemical variation, residue mobility, and thermodynamic stability) indicates that this missense variant is not expected to disrupt LEMD3 protein function with a negative predictive value of 80%. In summary, the available evidence is currently insufficient to determine the role of this variant in disease. Therefore, it has been classified as a Variant of Uncertain Significance.